The following is an entry in ClinVar:

NM_152305.3(POGLUT1):c.572del (p.Leu191fs)

Gene: POGLUT1 (protein O-glucosyltransferase 1; plus strand). Cytogenetic location: 3q13.33.
Variant type: Deletion.
Coding change: c.572del on transcript NM_152305.3 (MANE Select); coding-DNA position 572, one base deleted (T; older notation c.572delT).
Protein change: p.Leu191fs; shifts the reading frame from leucine 191.
Molecular consequence: frameshift variant. On other transcripts: non-coding transcript variant (1).
Genome position (GRCh38, 1-based): chr3:119,480,166, T deleted. VCF-style (leftmost placement, unchanged base first): chr3-119480165-CT-C. GRCh37 (hg19) VCF-style: chr3-119199012-CT-C.
Other names: short protein forms L191fs.
Identifiers: ClinVar variation 3631264 (VCV003631264.2).

ClinVar aggregate classification (germline): Pathogenic (1 of 4 stars; one submission).

Submission:

Labcorp Genetics (formerly Invitae), Labcorp
Classification: Pathogenic. Last evaluated: 2025-02-09. Review status: criteria provided, single submitter. Criteria: Invitae Variant Classification Sherloc (09022015). Collection method: clinical testing. Allele origin: germline.
Comment: This sequence change creates a premature translational stop signal (p.Leu191Argfs*2) in the POGLUT1 gene. It is expected to result in an absent or disrupted protein product. Loss-of-function variants in POGLUT1 are known to be pathogenic (PMID: 24387993). This variant is not present in population databases (gnomAD no frequency). This variant has not been reported in the literature in individuals affected with POGLUT1-related conditions. For these reasons, this variant has been classified as Pathogenic.

Literature cited by the submitters: PubMed 24387993.